The following is an entry in ClinVar:

NM_007078.3(LDB3):c.58G>A (p.Gly20Ser)

Gene: LDB3 (LIM domain binding 3; plus strand). Cytogenetic location: 10q23.2.
Variant type: single nucleotide variant.
Coding change: c.58G>A on transcript NM_007078.3 (MANE Select); coding-DNA position 58, G replaced by A.
Protein change: p.Gly20Ser; replaces glycine 20 with serine.
Molecular consequence: missense variant.
Genome position (GRCh38, 1-based): chr10:86,668,749, G>A. VCF-style: chr10-86668749-G-A. GRCh37 (hg19) VCF-style: chr10-88428506-G-A.
Other names: c.58G>A, p.Gly20Ser (NM_001080114.2, NM_001080115.2, NM_001080116.1 and 8 more transcripts); short protein forms G20S.
Identifiers: ClinVar variation 2847621 (VCV002847621.3), dbSNP rs2492474388, ClinGen allele CA377448769.

ClinVar aggregate classification (germline): Uncertain significance (1 of 4 stars; one submission).

Conditions:
Myofibrillar myopathy 4. Also called: Zaspopathy (type). Identifiers: Orphanet 98912, MedGen C4721886, MONDO:0012277, OMIM 609452.

Allele frequency attached by ClinVar (database versions not stated): gnomAD exomes below 0.00001.
gnomAD v4.1: 1 of 1,613,328 alleles (0.000062%); highest among the groups gnomAD compares: Non-Finnish European, 0.000085%; no homozygotes.

Submission:

Labcorp Genetics (formerly Invitae), Labcorp
Classification: Uncertain significance for Myofibrillar myopathy 4. Last evaluated: 2023-03-20. Review status: criteria provided, single submitter. Criteria: Invitae Variant Classification Sherloc (09022015). Collection method: clinical testing. Allele origin: germline.
Comment: This sequence change replaces glycine, which is neutral and non-polar, with serine, which is neutral and polar, at codon 20 of the LDB3 protein (p.Gly20Ser). This variant is not present in population databases (gnomAD no frequency). This variant has not been reported in the literature in individuals affected with LDB3-related conditions. An algorithm developed to predict the effect of missense changes on protein structure and function (PolyPhen-2) suggests that this variant is likely to be disruptive. In summary, the available evidence is currently insufficient to determine the role of this variant in disease. Therefore, it has been classified as a Variant of Uncertain Significance.